The following is an entry in ClinVar:

NM_022455.5(NSD1):c.2135T>G (p.Leu712Ter)

Gene: NSD1 (nuclear receptor binding SET domain protein 1; plus strand). Cytogenetic location: 5q35.3.
Variant type: single nucleotide variant.
Coding change: c.2135T>G on transcript NM_022455.5 (MANE Select); coding-DNA position 2135, T replaced by G.
Protein change: p.Leu712Ter; replaces leucine 712 with a stop codon.
Molecular consequence: nonsense.
Genome position (GRCh38, 1-based): chr5:177,210,534, T>G. VCF-style: chr5-177210534-T-G. GRCh37 (hg19) VCF-style: chr5-176637535-T-G.
Other names: c.1262T>G, p.Leu421Ter (NM_001365684.2, NM_001409306.1, NM_001409307.1 and 3 more transcripts); c.2135T>G, p.Leu712Ter (NM_001409301.1, NM_001409302.1, NM_001409303.1); c.1715T>G, p.Leu572Ter (NM_001409304.1); c.1382T>G, p.Leu461Ter (NM_001409305.1); short protein forms L421*, L461*, L712*, L572*.
Identifiers: ClinVar variation 3729543 (VCV003729543.2).

ClinVar aggregate classification (germline): Pathogenic (1 of 4 stars; one submission).

Submission:

Labcorp Genetics (formerly Invitae), Labcorp
Classification: Pathogenic. Last evaluated: 2025-01-24. Review status: criteria provided, single submitter. Criteria: Invitae Variant Classification Sherloc (09022015). Collection method: clinical testing. Allele origin: germline.
Comment: This sequence change creates a premature translational stop signal (p.Leu712*) in the NSD1 gene. It is expected to result in an absent or disrupted protein product. Loss-of-function variants in NSD1 are known to be pathogenic (PMID: 12464997, 14571271, 15942875, 16247291). This variant is not present in population databases (gnomAD no frequency). This variant has not been reported in the literature in individuals affected with NSD1-related conditions. For these reasons, this variant has been classified as Pathogenic.

Literature cited by the submitters: PubMed 12464997; PubMed 14571271; PubMed 15942875; PubMed 16247291.